The following is an entry in ClinVar:

ClinVar aggregate classification (germline): Uncertain significance. Review status: criteria provided, multiple submitters, no conflicts (2 of 4 stars). 3 submissions from 3 submitters: Uncertain significance (3). Last evaluated 2026-06-21.

Conditions:
TTN-related disorder. Also called: TTN-related disorders; TTN-related condition; TTN-related disease.
Autosomal recessive limb-girdle muscular dystrophy type 2J (LGMDR10). Also called: Limb-girdle muscular dystrophy, type 2J; MUSCULAR DYSTROPHY, LIMB-GIRDLE, AUTOSOMAL RECESSIVE 10. Identifiers: Orphanet 140922, MedGen C1837342, MONDO:0012127, OMIM 608807.
Dilated cardiomyopathy 1G (CMD1G). Identifiers: Orphanet 154, MedGen C1858763, MONDO:0011400, OMIM 604145.

Allele frequency attached by ClinVar (database versions not stated): gnomAD exomes 0.00001 and 0.00003; ExAC 0.00004; ESP Exome Variant Server 0.00008; gnomAD 0.00008 and 0.00009; TOPMed 0.00009.
gnomAD v4.1: 33 of 1,613,766 alleles (0.002%); highest among the groups gnomAD compares: African/African-American, 0.023%; no homozygotes.

Submissions (3):

PreventionGenetics, part of Exact Sciences
Classification: Uncertain significance for TTN-related condition. Last evaluated: 2026-06-21. Review status: criteria provided, single submitter. Criteria: ACMG Guidelines, 2015. Collection method: clinical testing. Allele origin: germline.
Comment: The TTN c.9166C>T variant is predicted to result in the amino acid substitution p.Arg3056Cys. To our knowledge, this variant has not been reported in the literature. This variant is reported in 0.020% of alleles in individuals of African descent in gnomAD. At this time, the clinical significance of this variant is uncertain due to the absence of conclusive functional and genetic evidence.

Women's Health and Genetics/Laboratory Corporation of America, LabCorp
Classification: Uncertain significance. Last evaluated: 2024-07-12. Review status: criteria provided, single submitter. Criteria: LabCorp Variant Classification Summary - May 2015. Collection method: clinical testing. Allele origin: germline.
Comment: Variant summary: TTN c.9166C>T (p.Arg3056Cys) results in a non-conservative amino acid change located in the I-band region of the encoded protein sequence. Four of five in-silico tools predict a damaging effect of the variant on protein function. Consensus agreement among computation tools predict no significant impact on normal splicing. However, these predictions have yet to be confirmed by functional studies. The variant allele was found at a frequency of 3.2e-05 in 250476 control chromosomes. The available data on variant occurrences in the general population are insufficient to allow any conclusion about variant significance. To our knowledge, no occurrence of c.9166C>T in individuals affected with TTN-related conditions and no experimental evidence demonstrating its impact on protein function have been reported. ClinVar contains an entry for this variant (Variation ID: 405039). Based on the evidence outlined above, the variant was classified as uncertain significance.

Labcorp Genetics (formerly Invitae), Labcorp
Classification: Uncertain significance for Dilated cardiomyopathy 1G; Autosomal recessive limb-girdle muscular dystrophy type 2J. Last evaluated: 2016-11-02. Review status: criteria provided, single submitter. Criteria: Invitae Variant Classification Sherloc (09022015). Collection method: clinical testing. Allele origin: germline.

NM_001267550.2(TTN):c.9166C>T (p.Arg3056Cys)

Gene: TTN (titin; minus strand). Cytogenetic location: 2q31.2.
Variant type: single nucleotide variant.
Coding change: c.9166C>T on transcript NM_001267550.2 (MANE Select); coding-DNA position 9166, C replaced by T.
Protein change: p.Arg3056Cys; replaces arginine 3056 with cysteine.
Molecular consequence: missense variant.
Genome position (GRCh38, 1-based): chr2:178,768,153, G>A on the plus strand (C>T on the coding strand, the complement: TTN is on the minus strand). VCF-style: chr2-178768153-G-A. GRCh37 (hg19) VCF-style: chr2-179632880-G-A.
Other names: c.9166C>T, p.Arg3056Cys (NM_001256850.1, NM_133378.4, NM_133379.5); c.9028C>T, p.Arg3010Cys (NM_003319.4, NM_133432.3, NM_133437.4); short protein forms R3056C, R3010C.
Identifiers: ClinVar variation 405039 (VCV000405039.5), dbSNP rs377207838, ClinGen allele CA2004419.